The following is an entry in ClinVar:

NM_198578.4(LRRK2):c.643T>G (p.Phe215Val)

Gene: LRRK2 (leucine rich repeat kinase 2; plus strand). Cytogenetic location: 12q12.
Variant type: single nucleotide variant.
Coding change: c.643T>G on transcript NM_198578.4 (MANE Select); coding-DNA position 643, T replaced by G.
Protein change: p.Phe215Val; replaces phenylalanine 215 with valine.
Molecular consequence: missense variant.
Genome position (GRCh38, 1-based): chr12:40,240,554, T>G. VCF-style: chr12-40240554-T-G. GRCh37 (hg19) VCF-style: chr12-40634356-T-G.
Other names: short protein forms F215V.
Identifiers: ClinVar variation 2453074 (VCV002453074.2), dbSNP rs2499436392, ClinGen allele CA384404769.

ClinVar aggregate classification (germline): Uncertain significance (1 of 4 stars; one submission).

Conditions:
Inborn genetic diseases. Identifiers: MedGen C0950123, MeSH D030342.

Submission:

Ambry Genetics
Classification: Uncertain significance for Inborn genetic diseases. Last evaluated: 2023-01-01. Review status: criteria provided, single submitter. Criteria: Ambry Variant Classification Scheme 2023. Collection method: clinical testing. Allele origin: germline.
Comment: The p.F215V variant (also known as c.643T>G), located in coding exon 6 of the LRRK2 gene, results from a T to G substitution at nucleotide position 643. The phenylalanine at codon 215 is replaced by valine, an amino acid with highly similar properties. This amino acid position is conserved. In addition, the in silico prediction for this alteration is inconclusive. Since supporting evidence is limited at this time, the clinical significance of this alteration remains unclear.